The following is an entry in ClinVar:

ClinVar aggregate classification (germline): Pathogenic (1 of 4 stars; one submission).

Conditions:
Perrault syndrome. Also called: Gonadal dysgenesis with auditory dysfunction, autosomal recessive inheritance. Identifiers: Orphanet 2855, MedGen C0685838, MONDO:0017312.
Bifunctional peroxisomal enzyme deficiency (DBIF). Also called: DBP DEFICIENCY; D-bifunctional protein deficiency; PBFE DEFICIENCY. Identifiers: Orphanet 300, MedGen C0342870, MONDO:0009855, OMIM 261515. Disease mechanism: loss of function.

Submission:

Labcorp Genetics (formerly Invitae), Labcorp
Classification: Pathogenic for Perrault syndrome; Bifunctional peroxisomal enzyme deficiency. Last evaluated: 2021-11-01. Review status: criteria provided, single submitter. Criteria: Invitae Variant Classification Sherloc (09022015). Collection method: clinical testing. Allele origin: germline.
Comment: For these reasons, this variant has been classified as Pathogenic. This variant has not been reported in the literature in individuals affected with HSD17B4-related conditions. This variant is a gross deletion of the genomic region encompassing exon(s) 14 of the HSD17B4 gene. This deletion is out-of-frame, and is expected to create a premature termination codon and result in an absent or disrupted protein product. Loss-of-function variants in HSD17B4 are known to be pathogenic (PMID: 11810648, 16385454).

Literature cited by the submitters: PubMed 11810648; PubMed 16385454.

NC_000005.9:g.(?_118837726)_(118837797_?)del

Gene: HSD17B4 (hydroxysteroid 17-beta dehydrogenase 4; plus strand). Cytogenetic location: 5q23.1.
Variant type: Deletion.
Identifiers: ClinVar variation 2423041 (VCV002423041.4).